The following is an entry in ClinVar:

ClinVar aggregate classification (germline): Uncertain significance (1 of 4 stars; one submission).

Conditions:
Tuberous sclerosis 1 (TSC1). Identifiers: Orphanet 805, MedGen C1854465, MONDO:0008612, OMIM 191100.

Submission:

Labcorp Genetics (formerly Invitae), Labcorp
Classification: Uncertain significance for Tuberous sclerosis 1. Last evaluated: 2025-12-08. Review status: criteria provided, single submitter. Criteria: Invitae Variant Classification Sherloc (09022015). Collection method: clinical testing. Allele origin: germline.
Comment: This sequence change replaces serine, which is neutral and polar, with arginine, which is basic and polar, at codon 1061 of the TSC1 protein (p.Ser1061Arg). This variant is not present in population databases (gnomAD no frequency). This variant has not been reported in the literature in individuals affected with TSC1-related conditions. Invitae Evidence Modeling of protein sequence and biophysical properties (such as structural, functional, and spatial information, amino acid conservation, physicochemical variation, residue mobility, and thermodynamic stability) indicates that this missense variant is not expected to disrupt TSC1 protein function with a negative predictive value of 95%. In summary, the available evidence is currently insufficient to determine the role of this variant in disease. Therefore, it has been classified as a Variant of Uncertain Significance.

NM_000368.5(TSC1):c.3183T>A (p.Ser1061Arg)

Gene: TSC1 (TSC complex subunit 1; minus strand). Cytogenetic location: 9q34.13.
Variant type: single nucleotide variant.
Coding change: c.3183T>A on transcript NM_000368.5 (MANE Select); coding-DNA position 3183, T replaced by A.
Protein change: p.Ser1061Arg; replaces serine 1061 with arginine.
Molecular consequence: missense variant. On other transcripts: non-coding transcript variant (5).
Genome position (GRCh38, 1-based): chr9:132,896,547, A>T on the plus strand (T>A on the coding strand, the complement: TSC1 is on the minus strand). VCF-style: chr9-132896547-A-T. GRCh37 (hg19) VCF-style: chr9-135771934-A-T.
Other names: c.3180T>A, p.Ser1060Arg (NM_001162426.2, NM_001406597.1, NM_001406598.1 and 2 more transcripts); c.3030T>A, p.Ser1010Arg (NM_001162427.2, NM_001406610.1); c.2820T>A, p.Ser940Arg (NM_001362177.2, NM_001406614.1, NM_001406615.1 and 4 more transcripts); c.3183T>A, p.Ser1061Arg (NM_001406592.1, NM_001406593.1, NM_001406594.1 and 2 more transcripts); c.3168T>A, p.Ser1056Arg (NM_001406601.1, NM_001406602.1); c.3165T>A, p.Ser1055Arg (NM_001406603.1, NM_001406604.1); c.3141T>A, p.Ser1047Arg (NM_001406605.1, NM_001406606.1, NM_001406607.1); c.3138T>A, p.Ser1046Arg (NM_001406608.1, NM_001406609.1); and 8 more; short protein forms S1009R, S1010R, S1046R, S1047R, S1055R, S1056R, S1060R, S1061R.
Identifiers: ClinVar variation 4797582 (VCV004797582.1).
Genomic context (GRCh38, chr9:132,896,547, plus strand): 5'-AAGTGAGCCCACAGTGGTGGGGATGCTGGCAGACGCTTCTCCCATAGTCGTCTCCCACCG[A>T]CTGCTGAATGGGCCTGCCCTCTGGTGTGGGGGTTTCTCTGGGGTAGAAAGCTCGCTGCTG-3'
Protein context (NP_000359.1, residues 1051-1071): PPHQRAGPFS[Ser1061Arg]RWETTMGEAS